The following is an entry in ClinVar:

NM_015915.5(ATL1):c.1523A>C (p.Asp508Ala)

Gene: ATL1 (atlastin GTPase 1; plus strand). Cytogenetic location: 14q22.1.
Variant type: single nucleotide variant.
Coding change: c.1523A>C on transcript NM_015915.5 (MANE Select); coding-DNA position 1523, A replaced by C.
Protein change: p.Asp508Ala; replaces aspartic acid 508 with alanine.
Molecular consequence: missense variant.
Genome position (GRCh38, 1-based): chr14:50,628,434, A>C. VCF-style: chr14-50628434-A-C. GRCh37 (hg19) VCF-style: chr14-51095152-A-C.
Other names: c.1523A>C, p.Asp508Ala (NM_001127713.1, NM_181598.4); short protein forms D508A.
Identifiers: ClinVar variation 3708561 (VCV003708561.2).

ClinVar aggregate classification (germline): Uncertain significance (1 of 4 stars; one submission).

Conditions:
Hereditary spastic paraplegia 3A (SPG3A). Also called: SPASTIC PARAPLEGIA 3, AUTOSOMAL DOMINANT; FAMILIAL SPASTIC PARAPLEGIA, AUTOSOMAL DOMINANT, 1; SPG3; STRUMPELL DISEASE; Spastic Paraplegia 3A; Spastic paraplegia 3A, autosomal dominant. Identifiers: Orphanet 100984, MedGen C2931355, MONDO:0008437, OMIM 182600.

Submission:

Labcorp Genetics (formerly Invitae), Labcorp
Classification: Uncertain significance for Hereditary spastic paraplegia 3A. Last evaluated: 2024-02-21. Review status: criteria provided, single submitter. Criteria: Invitae Variant Classification Sherloc (09022015). Collection method: clinical testing. Allele origin: germline.
Comment: This sequence change replaces aspartic acid, which is acidic and polar, with alanine, which is neutral and non-polar, at codon 508 of the ATL1 protein (p.Asp508Ala). This variant is not present in population databases (gnomAD no frequency). This variant has not been reported in the literature in individuals affected with ATL1-related conditions. Advanced modeling of protein sequence and biophysical properties (such as structural, functional, and spatial information, amino acid conservation, physicochemical variation, residue mobility, and thermodynamic stability) performed at Invitae indicates that this missense variant is expected to disrupt ATL1 protein function with a positive predictive value of 95%. In summary, the available evidence is currently insufficient to determine the role of this variant in disease. Therefore, it has been classified as a Variant of Uncertain Significance.